The following is an entry in ClinVar:

NM_000275.3(OCA2):c.2011_2015del (p.Glu671fs)

Gene: OCA2 (OCA2 melanosomal transmembrane protein; minus strand). Cytogenetic location: 15q13.1.
Variant type: Deletion.
Coding change: c.2011_2015del on transcript NM_000275.3 (MANE Select); coding-DNA positions 2011 to 2015, 5 bases deleted (GAGAT; older notation c.2011_2015delGAGAT).
Protein change: p.Glu671fs; shifts the reading frame from glutamic acid 671.
Molecular consequence: frameshift variant.
Genome position (GRCh38, 1-based): chr15:27,926,191-27,926,195, ATCTC deleted on the plus strand (GAGAT on the coding strand, the reverse complement: OCA2 is on the minus strand); deleting any 5 consecutive bases within chr15:27,926,191-27,926,196 gives the same sequence; the c. name uses the placement nearest the transcript's 3' end. VCF-style (leftmost placement, unchanged base first): chr15-27926190-TATCTC-T. GRCh37 (hg19) VCF-style: chr15-28171336-TATCTC-T.
Other names: c.1939_1943del, p.Glu647fs (NM_001300984.2); short protein forms E647fs, E671fs.
Identifiers: ClinVar variation 2795432 (VCV002795432.3), dbSNP rs2506065459, ClinGen allele CA2739278386.

ClinVar aggregate classification (germline): Pathogenic (1 of 4 stars; one submission).

Submission:

Labcorp Genetics (formerly Invitae), Labcorp
Classification: Pathogenic. Last evaluated: 2023-02-18. Review status: criteria provided, single submitter. Criteria: Invitae Variant Classification Sherloc (09022015). Collection method: clinical testing. Allele origin: germline.
Comment: For these reasons, this variant has been classified as Pathogenic. This variant has not been reported in the literature in individuals affected with OCA2-related conditions. This variant is not present in population databases (gnomAD no frequency). This sequence change creates a premature translational stop signal (p.Glu671Asnfs*68) in the OCA2 gene. It is expected to result in an absent or disrupted protein product. Loss-of-function variants in OCA2 are known to be pathogenic (PMID: 19865097, 21541274).

Literature cited by the submitters: PubMed 19865097; PubMed 21541274.